The following is an entry in ClinVar:

ClinVar aggregate classification (germline): Uncertain significance (1 of 4 stars; one submission).

Conditions:
Gorlin syndrome. Also called: Nevoid Basal Cell Carcinoma Syndrome; Basal cell nevus syndrome. Identifiers: Orphanet 377, MedGen C0004779, MONDO:0007187.

Submission:

Labcorp Genetics (formerly Invitae), Labcorp
Classification: Uncertain significance for Gorlin syndrome. Last evaluated: 2024-08-24. Review status: criteria provided, single submitter. Criteria: Invitae Variant Classification Sherloc (09022015). Collection method: clinical testing. Allele origin: germline.
Comment: This sequence change replaces glutamic acid, which is acidic and polar, with alanine, which is neutral and non-polar, at codon 864 of the PTCH1 protein (p.Glu864Ala). This variant is not present in population databases (gnomAD no frequency). This variant has not been reported in the literature in individuals affected with PTCH1-related conditions. Invitae Evidence Modeling of protein sequence and biophysical properties (such as structural, functional, and spatial information, amino acid conservation, physicochemical variation, residue mobility, and thermodynamic stability) indicates that this missense variant is not expected to disrupt PTCH1 protein function with a negative predictive value of 95%. In summary, the available evidence is currently insufficient to determine the role of this variant in disease. Therefore, it has been classified as a Variant of Uncertain Significance.

NM_000264.5(PTCH1):c.2591A>C (p.Glu864Ala)

Gene: PTCH1 (patched 1; minus strand). Cytogenetic location: 9q22.32.
Variant type: single nucleotide variant.
Coding change: c.2591A>C on transcript NM_000264.5 (MANE Select); coding-DNA position 2591, A replaced by C.
Protein change: p.Glu864Ala; replaces glutamic acid 864 with alanine.
Molecular consequence: missense variant. On other transcripts: non-coding transcript variant (1).
Genome position (GRCh38, 1-based): chr9:95,461,968, T>G on the plus strand (A>C on the coding strand, the complement: PTCH1 is on the minus strand). VCF-style: chr9-95461968-T-G. GRCh37 (hg19) VCF-style: chr9-98224250-T-G.
Other names: c.2393A>C, p.Glu798Ala (NM_001083602.3); c.2588A>C, p.Glu863Ala (NM_001083603.3); c.2138A>C, p.Glu713Ala (NM_001083604.3, NM_001083605.3, NM_001083606.3 and 1 more transcripts); c.2435A>C, p.Glu812Ala (NM_001354918.2); short protein forms E713A, E864A, E798A, E812A, E863A.
Identifiers: ClinVar variation 3635844 (VCV003635844.2).